The following is an entry in ClinVar:

ClinVar aggregate classification (germline): Uncertain significance (1 of 4 stars; one submission).

Submission:

GeneDx
Classification: Uncertain significance. Last evaluated: 2023-03-15. Review status: criteria provided, single submitter. Criteria: GeneDx Variant Classification Process June 2021. Collection method: clinical testing. Allele origin: germline. Affected: yes.
Comment: Not observed at significant frequency in large population cohorts (gnomAD); In silico analysis supports that this variant does not alter splicing; Has not been previously published as pathogenic or benign to our knowledge

NM_000268.4(NF2):c.1737+1414T>G

Gene: NF2 (NF2, moesin-ezrin-radixin like (MERLIN) tumor suppressor; plus strand). Cytogenetic location: 22q12.2.
Variant type: single nucleotide variant.
Coding change: c.1737+1414T>G on transcript NM_000268.4 (MANE Select); 1414 bases into the intron after coding-DNA position 1737, T replaced by G.
Molecular consequence: intron variant.
Genome position (GRCh38, 1-based): chr22:29,683,015, T>G. VCF-style: chr22-29683015-T-G. GRCh37 (hg19) VCF-style: chr22-30079004-T-G.
Other names: c.1738-5T>G (NM_016418.5, NM_181832.3, NM_001407066.1 and 1 more transcripts); c.1624-5T>G (NM_001407056.1); c.1623+1414T>G (NM_001407053.1); c.1507-5T>G (NM_001407067.1); c.1204-5T>G (NM_001407065.1); c.1574+4692T>G (NM_001407060.1); c.1603-5T>G (NM_001407059.1); c.1602+1414T>G (NM_001407057.1); and 8 more.
Identifiers: ClinVar variation 2580038 (VCV002580038.1), dbSNP rs2518745387, ClinGen allele CA2580617866.